The following is an entry in ClinVar:

NM_001370100.5(ZMYND11):c.1438G>C (p.Asp480His)

Genes: ZMYND11 (zinc finger MYND-type containing 11; plus strand), LOC126860802 (BRD4-independent group 4 enhancer GRCh37_chr10:294268-295467; plus strand). Cytogenetic location: 10p15.3.
Variant type: single nucleotide variant.
Coding change: c.1438G>C on transcript NM_001370100.5 (MANE Select); coding-DNA position 1438, G replaced by C.
Protein change: p.Asp480His; replaces aspartic acid 480 with histidine.
Molecular consequence: missense variant. On other transcripts: non-coding transcript variant (1).
Genome position (GRCh38, 1-based): chr10:248,546, G>C. VCF-style: chr10-248546-G-C. GRCh37 (hg19) VCF-style: chr10-294486-G-C.
Other names: c.1435G>C, p.Asp479His (NM_001370115.2, NM_212479.4); c.1372G>C, p.Asp458His (NM_001370116.2); c.1369G>C, p.Asp457His (NM_001370117.2); c.1318G>C, p.Asp440His (NM_001370118.2); c.1291G>C, p.Asp431His (NM_001370119.2); c.1210G>C, p.Asp404His (NM_001370120.2); c.1156G>C, p.Asp386His (NM_001370121.2); c.1132G>C, p.Asp378His (NM_001370122.2); and 8 more; short protein forms D361H, D395H, D426H, D449H, D458H, D323H, D386H, D431H.
Identifiers: ClinVar variation 2730425 (VCV002730425.3), dbSNP rs2540045079, ClinGen allele CA375822812.
Genomic context (GRCh38, chr10:248,546, plus strand): 5'-GACGGCGTGTGTCAGAGCATGTGCCATGACAAATACACCAAGATCTTCAATGACTTCAAA[G>C]ACCGGATGAAGTCGGACCACAAGCGGGAGACAGAGCGTGTTGTCCGAGAAGCTCTGGAGA-3'
Protein context (NP_001357029.1, residues 470-490): KYTKIFNDFK[Asp480His]RMKSDHKRET

ClinVar aggregate classification (germline): Uncertain significance (1 of 4 stars; one submission).

Submission:

Labcorp Genetics (formerly Invitae), Labcorp
Classification: Uncertain significance. Last evaluated: 2023-06-27. Review status: criteria provided, single submitter. Criteria: Invitae Variant Classification Sherloc (09022015). Collection method: clinical testing. Allele origin: germline.
Comment: This sequence change replaces aspartic acid, which is acidic and polar, with histidine, which is basic and polar, at codon 480 of the ZMYND11 protein (p.Asp480His). This variant is not present in population databases (gnomAD no frequency). This variant has not been reported in the literature in individuals affected with ZMYND11-related conditions. Advanced modeling of protein sequence and biophysical properties (such as structural, functional, and spatial information, amino acid conservation, physicochemical variation, residue mobility, and thermodynamic stability) performed at Invitae indicates that this missense variant is not expected to disrupt ZMYND11 protein function. In summary, the available evidence is currently insufficient to determine the role of this variant in disease. Therefore, it has been classified as a Variant of Uncertain Significance.